The following is an entry in ClinVar:

ClinVar aggregate classification (germline): Likely benign (1 of 4 stars; one submission).

Conditions:
Tuberous sclerosis 1 (TSC1). Identifiers: Orphanet 805, MedGen C1854465, MONDO:0008612, OMIM 191100.

Submission:

Myriad Genetics, Inc.
Classification: Likely benign for Tuberous sclerosis 1. Last evaluated: 2025-04-09. Review status: criteria provided, single submitter. Criteria: Myriad Autosomal Dominant, Autosomal Recessive and X-Linked Classification Criteria (2023). Collection method: clinical testing. Allele origin: unknown.
Comment: This variant is considered likely benign. This variant is intronic and is not expected to impact mRNA splicing.

NM_000368.5(TSC1):c.914-20G>A

Gene: TSC1 (TSC complex subunit 1; minus strand). Cytogenetic location: 9q34.13.
Variant type: single nucleotide variant.
Coding change: c.914-20G>A on transcript NM_000368.5 (MANE Select); 20 bases into the intron before coding-DNA position 914, G replaced by A.
Molecular consequence: intron variant.
Genome position (GRCh38, 1-based): chr9:132,911,588, C>T on the plus strand (G>A on the coding strand, the complement: TSC1 is on the minus strand). VCF-style: chr9-132911588-C-T. GRCh37 (hg19) VCF-style: chr9-135786975-C-T.
Other names: c.551-20G>A (NM_001406620.1, NM_001406618.1, NM_001406625.1 and 10 more transcripts); c.761-20G>A (NM_001406613.1, NM_001406612.1, NM_001406610.1 and 2 more transcripts); c.-38-20G>A (NM_001406627.1, NM_001406628.1, NM_001406626.1); c.-180-20G>A (NM_001406629.1, NM_001406630.1); c.914-20G>A (NM_001406603.1, NM_001406609.1, NM_001406597.1 and 16 more transcripts).
Identifiers: ClinVar variation 4071334 (VCV004071334.1).